The following is an entry in ClinVar:

NM_001013838.3(CARMIL2):c.1916T>A (p.Leu639His)

Gene: CARMIL2 (capping protein regulator and myosin 1 linker 2; plus strand). Cytogenetic location: 16q22.1.
Variant type: single nucleotide variant.
Coding change: c.1916T>A on transcript NM_001013838.3 (MANE Select); coding-DNA position 1916, T replaced by A.
Protein change: p.Leu639His; replaces leucine 639 with histidine.
Molecular consequence: missense variant.
Genome position (GRCh38, 1-based): chr16:67,649,616, T>A. VCF-style: chr16-67649616-T-A. GRCh37 (hg19) VCF-style: chr16-67683519-T-A.
Other names: c.1808T>A, p.Leu603His (NM_001317026.3); short protein forms L639H, L603H.
Identifiers: ClinVar variation 565281 (VCV000565281.8), dbSNP rs775061512, ClinGen allele CA8113591.

ClinVar aggregate classification (germline): Conflicting classifications of pathogenicity. Review status: criteria provided, conflicting classifications (1 of 4 stars). 3 submissions from 3 submitters: Likely pathogenic (1); Uncertain significance (1). 1 of the submissions does not count toward it. Last evaluated 2024-06-25.

Conditions:
Severe combined immunodeficiency due to CARMIL2 deficiency. Also called: IMMUNODEFICIENCY 58. Identifiers: Orphanet 542301, MedGen C4748304, MONDO:0029134, OMIM 618131.

Allele frequency attached by ClinVar (database versions not stated): gnomAD 0.00001; gnomAD exomes 0.00001 and 0.00005; TOPMed 0.00002; ExAC 0.00008.
gnomAD v4.1: 21 of 1,571,952 alleles (0.0013%); highest among the groups gnomAD compares: Non-Finnish European, 0.0017%; no homozygotes.

Submissions (3):

Labcorp Genetics (formerly Invitae), Labcorp
Classification: Uncertain significance. Last evaluated: 2024-06-25. Review status: criteria provided, single submitter. Criteria: Invitae Variant Classification Sherloc (09022015). Collection method: clinical testing. Allele origin: germline.
Comment: This sequence change replaces leucine, which is neutral and non-polar, with histidine, which is basic and polar, at codon 639 of the CARMIL2 protein (p.Leu639His). This variant is present in population databases (rs775061512, gnomAD 0.01%). This missense change has been observed in individual(s) with clinical features of primary immunodeficiency (PMID: 27896283). ClinVar contains an entry for this variant (Variation ID: 565281). Advanced modeling of protein sequence and biophysical properties (such as structural, functional, and spatial information, amino acid conservation, physicochemical variation, residue mobility, and thermodynamic stability) performed at Invitae indicates that this missense variant is expected to disrupt CARMIL2 protein function with a positive predictive value of 80%. In summary, the available evidence is currently insufficient to determine the role of this variant in disease. Therefore, it has been classified as a Variant of Uncertain Significance.

SIB Swiss Institute of Bioinformatics
Classification: Likely pathogenic for Severe combined immunodeficiency due to CARMIL2 deficiency. Last evaluated: 2019-01-08. Review status: criteria provided, single submitter. Criteria: ACMG Guidelines, 2015. Collection method: curation. Allele origin: unknown.
Comment: This variant is interpreted as a Likely pathogenic for Immunodeficiency 58, autosomal recessive. The following ACMG Tag(s) were applied: PM2 : Absent from controls (or at extremely low frequency if recessive) in Exome Sequencing Project, 1000 Genomes Project, or Exome Aggregation Consortium. PP3 : Multiple lines of computational evidence support a deleterious effect on the gene or gene product. PP1 : Cosegregation with disease in multiple affected family members in a gene definitively known to cause the disease (PMID:27896283). PM1 : Located in a mutational hot spot and/or critical and well-established functional domain (e.g., active site of an enzyme) without benign variation.

OMIM
Classification: Pathogenic for IMMUNODEFICIENCY 58. Last evaluated: 2018-09-28. Review status: no assertion criteria provided. Collection method: literature only. Allele origin: germline. Not counted in ClinVar's aggregate classification.

Literature cited by the submitters: PubMed 27896283 (cited by 3 submitters).